The following is an entry in ClinVar:

ClinVar aggregate classification (germline): Pathogenic/Likely pathogenic. Review status: criteria provided, multiple submitters, no conflicts (2 of 4 stars). 2 submissions from 2 submitters: Pathogenic (1); Likely pathogenic (1). Last evaluated 2024-11-15.

Conditions:
Autosomal recessive polycystic kidney disease (ARPKD). Also called: AR polycystic kidney disease. Identifiers: Orphanet 731, Orphanet 8378, MedGen C0085548, MeSH D017044, MONDO:0009889.

Submissions (2):

Natera, Inc.
Classification: Likely pathogenic for Autosomal recessive polycystic kidney disease. Last evaluated: 2024-11-15. Review status: criteria provided, single submitter. Criteria: Natera Variant Classification Schema (03/2026). Collection method: clinical testing. Allele origin: germline.
Comment: The c.6508_6511delTTGT variant in PKHD1 is a frameshift variant predicted to shift the reading frame beginning at codon 2170 and leads to a stop codon 3 codons downstream. This variant is expected to result in nonsense mediated decay, truncation, or a dysfunctional protein product. This variant is rare in the general population with a frequency below the threshold expected for the associated phenotype(s). Given the available evidence, this variant is classified as Likely Pathogenic.

Labcorp Genetics (formerly Invitae), Labcorp
Classification: Pathogenic for Autosomal recessive polycystic kidney disease. Last evaluated: 2022-12-21. Review status: criteria provided, single submitter. Criteria: Invitae Variant Classification Sherloc (09022015). Collection method: clinical testing. Allele origin: germline.
Comment: This variant is not present in population databases (gnomAD no frequency). For these reasons, this variant has been classified as Pathogenic. This variant has not been reported in the literature in individuals affected with PKHD1-related conditions. This sequence change creates a premature translational stop signal (p.Leu2170Ilefs*3) in the PKHD1 gene. It is expected to result in an absent or disrupted protein product. Loss-of-function variants in PKHD1 are known to be pathogenic (PMID: 19940839).

Literature cited by the submitters: PubMed 19940839 (cited by Labcorp Genetics (formerly Invitae), Labcorp).

NM_138694.4(PKHD1):c.6508_6511del (p.Leu2170fs)

Gene: PKHD1 (PKHD1 ciliary IPT domain containing fibrocystin/polyductin; minus strand). Cytogenetic location: 6p12.2.
Variant type: Deletion.
Coding change: c.6508_6511del on transcript NM_138694.4 (MANE Select); coding-DNA positions 6508 to 6511, 4 bases deleted (TTGT; older notation c.6508_6511delTTGT).
Protein change: p.Leu2170fs; shifts the reading frame from leucine 2170.
Molecular consequence: frameshift variant.
Genome position (GRCh38, 1-based): chr6:51,909,454-51,909,457, ACAA deleted on the plus strand (TTGT on the coding strand, the reverse complement: PKHD1 is on the minus strand); deleting any 4 consecutive bases within chr6:51,909,454-51,909,460 gives the same sequence; the c. name uses the placement nearest the transcript's 3' end. VCF-style (leftmost placement, unchanged base first): chr6-51909453-TACAA-T. GRCh37 (hg19) VCF-style: chr6-51774251-TACAA-T.
Other names: c.6508_6511delTTGT (NM_138694.3); c.6508_6511del, p.Leu2170fs (NM_170724.3); short protein forms L2170fs.
Identifiers: ClinVar variation 2875977 (VCV002875977.4), dbSNP rs1375646742, ClinGen allele CA825711853.